The following is an entry in ClinVar:

ClinVar aggregate classification (germline): Pathogenic (1 of 4 stars; one submission).

Submission:

GeneDx
Classification: Pathogenic. Last evaluated: 2026-02-04. Review status: criteria provided, single submitter. Criteria: GeneDx Variant Classification Process June 2021. Collection method: clinical testing. Allele origin: germline.
Comment: Reported previously as a de novo variant in a patient from the Deciphering Developmental Disorders Study; however, no specific clinical information was provided and the patient also harbored a de novo variant in another gene (PMID: 28135719); Nonsense variant predicted to result in protein truncation or nonsense mediated decay in a gene for which loss of function is a known mechanism of disease; Not observed at significant frequency in large population cohorts (gnomAD); This variant is associated with the following publications: (PMID: 33057194, 35982159, 28135719)

NM_006885.4(ZFHX3):c.6880C>T (p.Arg2294Ter)

Genes: ZFHX3 (zinc finger homeobox 3; minus strand), ZFHX3-AS1 (ZFHX3 antisense RNA 1; plus strand). Cytogenetic location: 16q22.2.
Variant type: single nucleotide variant.
Coding change: c.6880C>T on transcript NM_006885.4 (MANE Select); coding-DNA position 6880, C replaced by T.
Protein change: p.Arg2294Ter; replaces arginine 2294 with a stop codon.
Molecular consequence: nonsense.
Genome position (GRCh38, 1-based): chr16:72,795,802, G>A on the plus strand (C>T on the coding strand, the complement: ZFHX3 is on the minus strand). VCF-style: chr16-72795802-G-A. GRCh37 (hg19) VCF-style: chr16-72829701-G-A.
Other names: c.4138C>T, p.Arg1380Ter (NM_001164766.2); c.6880C>T, p.Arg2294Ter (NM_001386735.1); short protein forms R1380*, R2294*.
Identifiers: ClinVar variation 4887907 (VCV004887907.1).